The following is an entry in ClinVar:

ClinVar aggregate classification (germline): Uncertain significance (1 of 4 stars; one submission).

Conditions:
Encephalopathy, acute, infection-induced (herpes-specific), susceptibility to, 6. Also called: Herpes simplex encephalitis, susceptibility to, 4. Identifiers: Orphanet 1930, MedGen C3553869, MONDO:0013921, OMIM 614850.

Allele frequency attached by ClinVar (database versions not stated): gnomAD 0.00002; TOPMed 0.00001.
gnomAD v4.1: 12 of 1,613,862 alleles (0.00074%); highest among the groups gnomAD compares: Admixed American, 0.005%; no homozygotes.

Submission:

Labcorp Genetics (formerly Invitae), Labcorp
Classification: Uncertain significance for Encephalopathy, acute, infection-induced (herpes-specific), susceptibility to, 6. Last evaluated: 2021-08-31. Review status: criteria provided, single submitter. Criteria: Invitae Variant Classification Sherloc (09022015). Collection method: clinical testing. Allele origin: germline.
Comment: This sequence change replaces arginine with glutamine at codon 479 of the TICAM1 protein (p.Arg479Gln). The arginine residue is highly conserved and there is a small physicochemical difference between arginine and glutamine. This variant is present in population databases (rs752524876, ExAC 0.002%). This variant has not been reported in the literature in individuals affected with TICAM1-related conditions. Algorithms developed to predict the effect of missense changes on protein structure and function output the following: SIFT: "Tolerated"; PolyPhen-2: "Benign"; Align-GVGD: "Class C0". The glutamine amino acid residue is found in multiple mammalian species, which suggests that this missense change does not adversely affect protein function. In summary, the available evidence is currently insufficient to determine the role of this variant in disease. Therefore, it has been classified as a Variant of Uncertain Significance.

NM_182919.4(TICAM1):c.1436G>A (p.Arg479Gln)

Gene: TICAM1 (TIR domain containing adaptor molecule 1; minus strand). Cytogenetic location: 19p13.3.
Variant type: single nucleotide variant.
Coding change: c.1436G>A on transcript NM_182919.4 (MANE Select); coding-DNA position 1436, G replaced by A.
Protein change: p.Arg479Gln; replaces arginine 479 with glutamine.
Molecular consequence: missense variant.
Genome position (GRCh38, 1-based): chr19:4,816,942, C>T on the plus strand (G>A on the coding strand, the complement: TICAM1 is on the minus strand). VCF-style: chr19-4816942-C-T. GRCh37 (hg19) VCF-style: chr19-4816954-C-T.
Other names: c.1394G>A, p.Arg465Gln (NM_001385678.1); c.1301G>A, p.Arg434Gln (NM_001385679.1); c.794G>A, p.Arg265Gln (NM_001385680.1); short protein forms R265Q, R465Q, R434Q, R479Q.
Identifiers: ClinVar variation 1511638 (VCV001511638.5), dbSNP rs752524876, ClinGen allele CA9105138.